The following is an entry in ClinVar:

ClinVar aggregate classification (germline): Uncertain significance (1 of 4 stars; one submission).

Conditions:
Duchenne muscular dystrophy (DMD). Also called: MUSCULAR DYSTROPHY, PSEUDOHYPERTROPHIC PROGRESSIVE, DUCHENNE TYPE; Duchenne Muscular Dystrophy (DMD). Identifiers: Orphanet 98896, MedGen C0013264, MONDO:0010679, OMIM 310200.

Submission:

Labcorp Genetics (formerly Invitae), Labcorp
Classification: Uncertain significance for Duchenne muscular dystrophy. Last evaluated: 2023-08-09. Review status: criteria provided, single submitter. Criteria: Invitae Variant Classification Sherloc (09022015). Collection method: clinical testing. Allele origin: germline.
Comment: This variant, c.807_808delinsAT, is a complex sequence change that results in the deletion of 2 and insertion of 2 amino acid(s) in the DMD protein (p.His269_His270delinsGlnTyr). Information on the frequency of this variant in the gnomAD database is not available, as this variant may be reported differently in the database. Experimental studies and prediction algorithms are not available or were not evaluated, and the functional significance of this variant is currently unknown. In summary, the available evidence is currently insufficient to determine the role of this variant in disease. Therefore, it has been classified as a Variant of Uncertain Significance. This variant has not been reported in the literature in individuals affected with DMD-related conditions.

NM_004006.3(DMD):c.807_808delinsAT (p.His269_His270delinsGlnTyr)

Gene: DMD (dystrophin; minus strand). Cytogenetic location: Xp21.1.
Variant type: Indel.
Coding change: c.807_808delinsAT on transcript NM_004006.3 (MANE Select); coding-DNA positions 807 to 808, TC replaced by AT.
Protein change: p.His269_His270delinsGlnTyr.
Molecular consequence: missense variant.
Genome position (GRCh38, 1-based): chrX:32,699,135-32,699,136, GA replaced by AT on the plus strand (TC replaced by AT on the coding strand, the reverse complement: DMD is on the minus strand). VCF-style: chrX-32699135-GA-AT. GRCh37 (hg19) VCF-style: chrX-32717252-GA-AT.
Other names: c.783_784delinsAT, p.His261_His262delinsGlnTyr (NM_000109.4); c.795_796delinsAT, p.His265_His266delinsGlnTyr (NM_004009.3); c.438_439delinsAT, p.His146_His147delinsGlnTyr (NM_004010.3).
Identifiers: ClinVar variation 2739716 (VCV002739716.3), dbSNP rs2521182519, ClinGen allele CA2697553010.